The following is an entry in ClinVar:

NM_001009944.3(PKD1):c.12454A>T (p.Lys4152Ter)

Gene: PKD1 (polycystin 1, transient receptor potential channel interacting; minus strand). Cytogenetic location: 16p13.3.
Variant type: single nucleotide variant.
Coding change: c.12454A>T on transcript NM_001009944.3 (MANE Select); coding-DNA position 12454, A replaced by T.
Protein change: p.Lys4152Ter; replaces lysine 4152 with a stop codon.
Molecular consequence: nonsense.
Genome position (GRCh38, 1-based): chr16:2,090,185, T>A on the plus strand (A>T on the coding strand, the complement: PKD1 is on the minus strand). VCF-style: chr16-2090185-T-A. GRCh37 (hg19) VCF-style: chr16-2140186-T-A.
Other names: c.12451A>T, p.Lys4151Ter (NM_000296.4); short protein forms K4151*, K4152*.
Identifiers: ClinVar variation 4531529 (VCV004531529.1).

ClinVar aggregate classification (germline): Pathogenic (1 of 4 stars; one submission).

Conditions:
Polycystic kidney disease, adult type (PKD1). Also called: Polycystic Kidney, Autosomal Dominant; POLYCYSTIC KIDNEY DISEASE, ADULT, TYPE I; Polycystic Kidney Disease 1, Autosomal Dominant; Polycystic kidney disease 1; Polycystic kidney disease 1, severe; POLYCYSTIC KIDNEY DISEASE 1 WITH OR WITHOUT POLYCYSTIC LIVER DISEASE. Identifiers: MedGen C3149841, MONDO:0008263, OMIM 173900.

Submission:

Victorian Clinical Genetics Services, Murdoch Childrens Research Institute
Classification: Pathogenic for Polycystic kidney disease, adult type. Last evaluated: 2025-06-27. Review status: criteria provided, single submitter. Criteria: ACMG Guidelines, 2015. Collection method: clinical testing. Allele origin: germline. Affected: yes.
Comment: This variant is classified as Pathogenic. Evidence in support of pathogenic classification: Variant is predicted to result in a truncated protein (premature termination codon is NOT located at least 54 nucleotides upstream of the final exon-exon junction) with less than 1/3 of the protein sequence affected; Variant is absent from gnomAD (v2, v3 and v4); This variant has limited previous evidence of pathogenicity in unrelated individual(s). This variant has been reported in two unrelated individuals with cystic kidney disease in the literature (PMIDs: 38971859, 37231942) - Other protein truncating variant(s) comparable to the one identified in this case have very strong previous evidence for pathogenicity. Many protein truncating variants downstream of this variant have been classified as likely pathogenic/pathogenic (DECIPHER). Additional information: This variant is heterozygous; This gene is associated with autosomal dominant disease. Polycystic kidney disease 1 (MIM#173900) is predominantly caused by monoallelic variants, with rare reports of biallelic variants causing disease (OMIM); Loss of function is a known mechanism of disease in this gene and is associated with polycystic kidney disease 1 (MIM#173900); Inheritance information for this variant is not currently available in this individual.

Literature cited by the submitters: PubMed 37231942; PubMed 38971859.